The following is an entry in ClinVar:

ClinVar aggregate classification (germline): Pathogenic/Likely pathogenic; other. Review status: criteria provided, multiple submitters, no conflicts (2 of 4 stars). 6 submissions from 6 submitters: Pathogenic (2); Likely pathogenic (1). 2 of the submissions do not count toward it. Last evaluated 2025-09-03.

Conditions:
Connective tissue disorder. Also called: Connective tissue disease. Identifiers: MedGen C0009782, MONDO:0003900.
NEK1-related disorder. Also called: NEK1-related condition.
Motor neuron disease. Also called: Degenerative motor system disease; Motor neuron disorder. Identifiers: Orphanet 98503, MedGen C0085084, MONDO:0020128.
Short-rib thoracic dysplasia 6 with or without polydactyly (SRTD6). Also called: POLYDACTYLY WITH NEONATAL CHONDRODYSTROPHY, TYPE II; Majewski Syndrome; SHORT RIB-POLYDACTYLY SYNDROME, TYPE IIA; SHORT-RIB THORACIC DYSPLASIA 6 WITH POLYDACTYLY; SHORT-RIB THORACIC DYSPLASIA 6 WITHOUT POLYDACTYLY. Identifiers: MedGen C0024507, MONDO:0009894, OMIM 263520.

Allele frequency attached by ClinVar (database versions not stated): gnomAD 0.00001 and 0.00002; gnomAD exomes 0.00001 and 0.00002; TOPMed 0.00002.
gnomAD v4.1: 38 of 1,598,618 alleles (0.0024%); highest among the groups gnomAD compares: Non-Finnish European, 0.0029%; no homozygotes.

Submissions (6):

PreventionGenetics, part of Exact Sciences
Classification: Likely pathogenic for NEK1-related condition. Last evaluated: 2025-09-03. Review status: criteria provided, single submitter. Criteria: ACMG Guidelines, 2015. Collection method: clinical testing. Allele origin: germline.
Comment: The NEK1 c.214+1G>A variant is predicted to disrupt the GT donor site and interfere with normal splicing. This variant has been reported in the heterozygous state in an individual with clinical features consistent with amyotrophic lateral sclerosis (ALS, Rifai et al. 2025. PubMed ID: 38986433). It has also been reported in an individual with motor neuron disease (MND, Supplementary Table 4, Black et al. 2016. PubMed ID: 28089114) and in the compound heterozygous state with another protein-truncating variant (p.Ser1036*) in at least one individual with short-rib polydactyly syndrome II (SRPS, Supplementary Table 2, Zhang et al. 2017. PubMed ID: 29068549). Functional studies demonstrate a lack of protein in the motor cortex, indicating this variant results in loss of function (Rifai et al. 2025. PubMed ID: 38986433). This variant is reported in 0.0018% of alleles in individuals of European (non-Finnish) descent in gnomAD and is interpreted as pathogenic/likely pathogenic in ClinVar (Variation ID: 266055). Variants that disrupt the consensus splice donor site in NEK1 are expected to be pathogenic. This variant is interpreted as likely pathogenic.

Labcorp Genetics (formerly Invitae), Labcorp
Classification: Pathogenic for Short-rib thoracic dysplasia 6 with or without polydactyly. Last evaluated: 2022-09-05. Review status: criteria provided, single submitter. Criteria: Invitae Variant Classification Sherloc (09022015). Collection method: clinical testing. Allele origin: germline.
Comment: ClinVar contains an entry for this variant (Variation ID: 266055). Disruption of this splice site has been observed in individual(s) with clinical features of amyotrophic lateral sclerosis and/or short-rib polydactyly syndrome (PMID: 28089114, 29068549). In at least one individual the data is consistent with being in trans (on the opposite chromosome) from a pathogenic variant. This variant is present in population databases (no rsID available, gnomAD 0.002%). This sequence change affects a donor splice site in intron 3 of the NEK1 gene. It is expected to disrupt RNA splicing. Variants that disrupt the donor or acceptor splice site typically lead to a loss of protein function (PMID: 16199547), and loss-of-function variants in NEK1 are known to be pathogenic (PMID: 22499340, 29068549). For these reasons, this variant has been classified as Pathogenic. Algorithms developed to predict the effect of sequence changes on RNA splicing suggest that this variant may disrupt the consensus splice site.

Genome Diagnostics Laboratory, The Hospital for Sick Children
Classification: Pathogenic for Connective tissue disorder. Last evaluated: 2022-06-06. Review status: criteria provided, single submitter. Criteria: ACMG Guidelines, 2015. Collection method: clinical testing. Allele origin: germline.

Centre for Genomic and Experimental Medicine, University of Edinburgh
Classification: other for Motor neuron disease. Last evaluated: 2016-08-31. Review status: criteria provided, single submitter. Criteria: Submitter's publication. Collection method: case-control. Allele origin: unknown. Affected: yes. Observed: 1 heterozygote.
Comment: Loss-of-function but lacking segregation data

Dan Cohn Lab, University Of California Los Angeles
Classification: Pathogenic for Short-rib thoracic dysplasia 6 with or without polydactyly. Last evaluated: 2017-06-01. Review status: no assertion criteria provided. Collection method: research. Allele origin: paternal. Affected: yes. Not counted in ClinVar's aggregate classification.

University of Washington Center for Mendelian Genomics, University of Washington
Classification: Likely pathogenic for short-rib polydactyly syndrome type II. Review status: no assertion criteria provided. Collection method: research. Allele origin: inherited. Affected: yes. Not counted in ClinVar's aggregate classification.

Literature cited by the submitters: PubMed 28089114 (cited by Labcorp Genetics (formerly Invitae), Labcorp and Centre for Genomic and Experimental Medicine, University of Edinburgh); PubMed 29068549 (cited by 3 submitters); PubMed 16199547 (cited by Labcorp Genetics (formerly Invitae), Labcorp); PubMed 22499340 (cited by Labcorp Genetics (formerly Invitae), Labcorp).

NM_001199397.3(NEK1):c.214+1G>A

Gene: NEK1 (NIMA related kinase 1; minus strand). Cytogenetic location: 4q33.
Variant type: single nucleotide variant.
Coding change: c.214+1G>A on transcript NM_001199397.3 (MANE Select); the canonical splice donor site of the intron after coding-DNA position 214, G replaced by A.
Molecular consequence: splice donor variant.
Genome position (GRCh38, 1-based): chr4:169,602,007, C>T on the plus strand (G>A on the coding strand, the complement: NEK1 is on the minus strand). VCF-style: chr4-169602007-C-T. GRCh37 (hg19) VCF-style: chr4-170523158-C-T.
Other names: c.214+1G>A (NM_001374421.1, NM_001374420.1, NM_001199399.3 and 7 more transcripts).
Identifiers: ClinVar variation 266055 (VCV000266055.13), dbSNP rs1049502301, ClinGen allele CA109925864.